The following is an entry in ClinVar:

NM_006231.4(POLE):c.4840G>A (p.Ala1614Thr)

Gene: POLE (DNA polymerase epsilon, catalytic subunit; minus strand). Cytogenetic location: 12q24.33.
Variant type: single nucleotide variant.
Coding change: c.4840G>A on transcript NM_006231.4 (MANE Select); coding-DNA position 4840, G replaced by A.
Protein change: p.Ala1614Thr; replaces alanine 1614 with threonine.
Molecular consequence: missense variant.
Genome position (GRCh38, 1-based): chr12:132,642,618, C>T on the plus strand (G>A on the coding strand, the complement: POLE is on the minus strand). VCF-style: chr12-132642618-C-T. GRCh37 (hg19) VCF-style: chr12-133219204-C-T.
Other names: short protein forms A1614T.
Identifiers: ClinVar variation 1347844 (VCV001347844.8), dbSNP rs2138535358, ClinGen allele CA387378219.
Genomic context (GRCh38, chr12:132,642,618, plus strand): 5'-GGATCATGCGCCGGGCTCCATGGCGCTGCCAGTCCAGGACCCCATAGTTGATCTTGTCAG[C>T]CACACAGATAGGCACCAGTGGGAATTCCTCCAAGACAGGAATTTCACTGGCCAGCCTCTT-3'
Protein context (NP_006222.2, residues 1604-1624): EEFPLVPICV[Ala1614Thr]DKINYGVLDW

ClinVar aggregate classification (germline): Uncertain significance (1 of 4 stars; one submission).

Submission:

Labcorp Genetics (formerly Invitae), Labcorp
Classification: Uncertain significance. Last evaluated: 2024-11-09. Review status: criteria provided, single submitter. Criteria: Invitae Variant Classification Sherloc (09022015). Collection method: clinical testing. Allele origin: germline.
Comment: This sequence change replaces alanine, which is neutral and non-polar, with threonine, which is neutral and polar, at codon 1614 of the POLE protein (p.Ala1614Thr). This variant is not present in population databases (gnomAD no frequency). This variant has not been reported in the literature in individuals affected with POLE-related conditions. ClinVar contains an entry for this variant (Variation ID: 1347844). Invitae Evidence Modeling of protein sequence and biophysical properties (such as structural, functional, and spatial information, amino acid conservation, physicochemical variation, residue mobility, and thermodynamic stability) indicates that this missense variant is not expected to disrupt POLE protein function with a negative predictive value of 80%. In summary, the available evidence is currently insufficient to determine the role of this variant in disease. Therefore, it has been classified as a Variant of Uncertain Significance.